The following is an entry in ClinVar:

ClinVar aggregate classification (germline): Pathogenic (1 of 4 stars; one submission).

Allele frequency attached by ClinVar (database versions not stated): TOPMed below 0.00001; gnomAD 0.00001.
gnomAD v4.1: 1 of 1,612,416 alleles (0.000062%); highest among the groups gnomAD compares: Non-Finnish European, 0.000085%; no homozygotes.

Submission:

Labcorp Genetics (formerly Invitae), Labcorp
Classification: Pathogenic. Last evaluated: 2023-10-16. Review status: criteria provided, single submitter. Criteria: Invitae Variant Classification Sherloc (09022015). Collection method: clinical testing. Allele origin: germline.
Comment: This sequence change creates a premature translational stop signal (p.Leu739*) in the FRAS1 gene. It is expected to result in an absent or disrupted protein product. Loss-of-function variants in FRAS1 are known to be pathogenic (PMID: 12766769, 18671281). This variant is not present in population databases (gnomAD no frequency). This variant has not been reported in the literature in individuals affected with FRAS1-related conditions. For these reasons, this variant has been classified as Pathogenic.

Literature cited by the submitters: PubMed 12766769; PubMed 18671281.

NM_025074.7(FRAS1):c.2216T>A (p.Leu739Ter)

Gene: FRAS1 (Fraser extracellular matrix complex subunit 1; plus strand). Cytogenetic location: 4q21.21.
Variant type: single nucleotide variant.
Coding change: c.2216T>A on transcript NM_025074.7 (MANE Select); coding-DNA position 2216, T replaced by A.
Protein change: p.Leu739Ter; replaces leucine 739 with a stop codon.
Molecular consequence: nonsense.
Genome position (GRCh38, 1-based): chr4:78,333,350, T>A. VCF-style: chr4-78333350-T-A. GRCh37 (hg19) VCF-style: chr4-79254504-T-A.
Other names: c.2216T>A, p.Leu739Ter (NM_001166133.2); short protein forms L739*.
Identifiers: ClinVar variation 2768980 (VCV002768980.3), dbSNP rs1240302428, ClinGen allele CA357369540.